The following is an entry in ClinVar:

ClinVar aggregate classification (germline): Uncertain significance (1 of 4 stars; one submission).

Conditions:
Hereditary cancer-predisposing syndrome. Also called: Tumor predisposition; Neoplastic Syndromes, Hereditary; Hereditary Cancer Syndrome; Hereditary neoplastic syndrome. Identifiers: Orphanet 140162, MedGen C0027672, MeSH D009386, MONDO:0015356.

Submission:

Ambry Genetics
Classification: Uncertain significance for Hereditary cancer-predisposing syndrome. Last evaluated: 2024-07-28. Review status: criteria provided, single submitter. Criteria: Ambry Variant Classification Scheme 2023. Collection method: clinical testing. Allele origin: germline.
Comment: The p.D710E variant (also known as c.2130C>G), located in coding exon 13 of the DICER1 gene, results from a C to G substitution at nucleotide position 2130. The aspartic acid at codon 710 is replaced by glutamic acid, an amino acid with highly similar properties. This amino acid position is conserved. In addition, this alteration is predicted to be tolerated by in silico analysis. Based on the available evidence, the clinical significance of this variant remains unclear.

NM_177438.3(DICER1):c.2130C>G (p.Asp710Glu)

Gene: DICER1 (dicer 1, ribonuclease III; minus strand). Cytogenetic location: 14q32.13.
Variant type: single nucleotide variant.
Coding change: c.2130C>G on transcript NM_177438.3 (MANE Select); coding-DNA position 2130, C replaced by G.
Protein change: p.Asp710Glu; replaces aspartic acid 710 with glutamic acid.
Molecular consequence: missense variant. On other transcripts: non-coding transcript variant (6).
Genome position (GRCh38, 1-based): chr14:95,111,443, G>C on the plus strand (C>G on the coding strand, the complement: DICER1 is on the minus strand). VCF-style: chr14-95111443-G-C. GRCh37 (hg19) VCF-style: chr14-95577780-G-C.
Other names: c.2130C>G, p.Asp710Glu (NM_001195573.1, NM_001271282.3, NM_001291628.2 and 12 more transcripts); c.1848C>G, p.Asp616Glu (NM_001395686.1); c.1725C>G, p.Asp575Glu (NM_001395687.1, NM_001395688.1, NM_001395689.1 and 3 more transcripts); c.1563C>G, p.Asp521Glu (NM_001395691.1); c.447C>G, p.Asp149Glu (NM_001395697.1); short protein forms D575E, D710E, D616E, D149E, D521E.
Identifiers: ClinVar variation 3501865 (VCV003501865.1).